The following is an entry in ClinVar:

NM_145290.4(ADGRA3):c.1987C>T (p.Arg663Cys)

Gene: ADGRA3 (adhesion G protein-coupled receptor A3; minus strand). Cytogenetic location: 4p15.2.
Variant type: single nucleotide variant.
Coding change: c.1987C>T on transcript NM_145290.4 (MANE Select); coding-DNA position 1987, C replaced by T.
Protein change: p.Arg663Cys; replaces arginine 663 with cysteine.
Molecular consequence: missense variant.
Genome position (GRCh38, 1-based): chr4:22,413,637, G>A on the plus strand (C>T on the coding strand, the complement: ADGRA3 is on the minus strand). VCF-style: chr4-22413637-G-A. GRCh37 (hg19) VCF-style: chr4-22415260-G-A.
Other names: short protein forms R663C.
Identifiers: ClinVar variation 1924511 (VCV001924511.5), dbSNP rs940891886, ClinGen allele CA93511205.

ClinVar aggregate classification (germline): Uncertain significance (1 of 4 stars; one submission).

Allele frequency attached by ClinVar (database versions not stated): gnomAD exomes 0.00001; TOPMed 0.00001.
gnomAD v4.1: 17 of 1,613,952 alleles (0.0011%); highest among the groups gnomAD compares: East Asian, 0.0022%; no homozygotes.

Submission:

Labcorp Genetics (formerly Invitae), Labcorp
Classification: Uncertain significance. Last evaluated: 2022-06-05. Review status: criteria provided, single submitter. Criteria: Invitae Variant Classification Sherloc (09022015). Collection method: clinical testing. Allele origin: germline.
Comment: This sequence change replaces arginine, which is basic and polar, with cysteine, which is neutral and slightly polar, at codon 663 of the ADGRA3 protein (p.Arg663Cys). This variant is present in population databases (no rsID available, gnomAD 0.003%). This variant has not been reported in the literature in individuals affected with ADGRA3-related conditions. Algorithms developed to predict the effect of missense changes on protein structure and function are either unavailable or do not agree on the potential impact of this missense change (SIFT: "Deleterious"; PolyPhen-2: "Probably Damaging"; Align-GVGD: "Class C15"). In summary, the available evidence is currently insufficient to determine the role of this variant in disease. Therefore, it has been classified as a Variant of Uncertain Significance.